The following is an entry in ClinVar:

NM_018646.6(TRPV6):c.871G>A (p.Gly291Ser)

Gene: TRPV6 (transient receptor potential cation channel subfamily V member 6; minus strand). Cytogenetic location: 7q34.
Variant type: single nucleotide variant.
Coding change: c.871G>A on transcript NM_018646.6 (MANE Select); coding-DNA position 871, G replaced by A.
Protein change: p.Gly291Ser; replaces glycine 291 with serine.
Molecular consequence: missense variant.
Genome position (GRCh38, 1-based): chr7:142,876,419, C>T on the plus strand (G>A on the coding strand, the complement: TRPV6 is on the minus strand). VCF-style: chr7-142876419-C-T. GRCh37 (hg19) VCF-style: chr7-142574172-C-T.
Other names: short protein forms G291S.
Identifiers: ClinVar variation 4739265 (VCV004739265.1).

ClinVar aggregate classification (germline): Uncertain significance (1 of 4 stars; one submission).

gnomAD v4.1: 33 of 1,613,548 alleles (0.002%); highest among the groups gnomAD compares: Non-Finnish European, 0.0027%; no homozygotes.

Submission:

Labcorp Genetics (formerly Invitae), Labcorp
Classification: Uncertain significance. Last evaluated: 2026-01-11. Review status: criteria provided, single submitter. Criteria: Invitae Variant Classification Sherloc (09022015). Collection method: clinical testing. Allele origin: germline.
Comment: This sequence change replaces glycine, which is neutral and non-polar, with serine, which is neutral and polar, at codon 291 of the TRPV6 protein (p.Gly291Ser). This variant is present in population databases (rs558162092, gnomAD 0.002%). This missense change has been observed in individual(s) with transient neonatal hyperparathyroidism (PMID: 32646367). Algorithms developed to predict the effect of variants on gene product structure and function are not available or were not evaluated for this variant. Experimental studies have shown that this missense change does not substantially affect TRPV6 function (PMID: 32646367). In summary, the available evidence is currently insufficient to determine the role of this variant in disease. Therefore, it has been classified as a Variant of Uncertain Significance.

Literature cited by the submitters: PubMed 32646367.